The following is an entry in ClinVar:

ClinVar aggregate classification (germline): Uncertain significance. Review status: criteria provided, multiple submitters, no conflicts (2 of 4 stars). 2 submissions from 2 submitters: Uncertain significance (2). Last evaluated 2023-01-26.

Conditions:
Inborn genetic diseases. Identifiers: MedGen C0950123, MeSH D030342.

Allele frequency attached by ClinVar (database versions not stated): gnomAD exomes below 0.00001; TOPMed below 0.00001; ExAC 0.00002.
gnomAD v4.1: 5 of 1,614,092 alleles (0.00031%); highest among the groups gnomAD compares: Admixed American, 0.0017%; no homozygotes.

Submissions (2):

Ambry Genetics
Classification: Uncertain significance for Inborn genetic diseases. Last evaluated: 2023-01-26. Review status: criteria provided, single submitter. Criteria: Ambry Variant Classification Scheme 2023. Collection method: clinical testing. Allele origin: germline.

Labcorp Genetics (formerly Invitae), Labcorp
Classification: Uncertain significance. Last evaluated: 2022-03-04. Review status: criteria provided, single submitter. Criteria: Invitae Variant Classification Sherloc (09022015). Collection method: clinical testing. Allele origin: germline.
Comment: This sequence change replaces leucine, which is neutral and non-polar, with phenylalanine, which is neutral and non-polar, at codon 298 of the TNFSF11 protein (p.Leu298Phe). This variant is present in population databases (rs780113615, gnomAD 0.006%). This variant has not been reported in the literature in individuals affected with TNFSF11-related conditions. Algorithms developed to predict the effect of missense changes on protein structure and function are either unavailable or do not agree on the potential impact of this missense change (SIFT: "Deleterious"; PolyPhen-2: "Probably Damaging"; Align-GVGD: "Class C0"). In summary, the available evidence is currently insufficient to determine the role of this variant in disease. Therefore, it has been classified as a Variant of Uncertain Significance.

NM_003701.4(TNFSF11):c.894A>C (p.Leu298Phe)

Gene: TNFSF11 (TNF superfamily member 11; plus strand). Cytogenetic location: 13q14.11.
Variant type: single nucleotide variant.
Coding change: c.894A>C on transcript NM_003701.4 (MANE Select); coding-DNA position 894, A replaced by C.
Protein change: p.Leu298Phe; replaces leucine 298 with phenylalanine.
Molecular consequence: missense variant.
Genome position (GRCh38, 1-based): chr13:42,606,858, A>C. VCF-style: chr13-42606858-A-C. GRCh37 (hg19) VCF-style: chr13-43180994-A-C.
Other names: c.675A>C, p.Leu225Phe (NM_033012.4); c.894A>C (NM_003701.3); short protein forms L225F, L298F.
Identifiers: ClinVar variation 2056115 (VCV002056115.3), dbSNP rs780113615, ClinGen allele CA6967315.